The following is an entry in ClinVar:

ClinVar aggregate classification (germline): Uncertain significance. Review status: criteria provided, multiple submitters, no conflicts (2 of 4 stars). 2 submissions from 2 submitters: Uncertain significance (2). Last evaluated 2025-11-24.

Allele frequency attached by ClinVar (database versions not stated): gnomAD 0.00003 and 0.00004; gnomAD exomes 0.00004 and 0.00006; TOPMed 0.00004; ExAC 0.00007; ESP Exome Variant Server 0.00008.
gnomAD v4.1: 58 of 1,600,922 alleles (0.0036%); highest among the groups gnomAD compares: Middle Eastern, 0.017%; no homozygotes.

Submissions (2):

Ambry Genetics
Classification: Uncertain significance. Last evaluated: 2025-11-24. Review status: criteria provided, single submitter. Criteria: Ambry Variant Classification Scheme 2023. Collection method: clinical testing. Allele origin: germline.

Labcorp Genetics (formerly Invitae), Labcorp
Classification: Uncertain significance. Last evaluated: 2022-02-24. Review status: criteria provided, single submitter. Criteria: Invitae Variant Classification Sherloc (09022015). Collection method: clinical testing. Allele origin: germline.
Comment: In summary, the available evidence is currently insufficient to determine the role of this variant in disease. Therefore, it has been classified as a Variant of Uncertain Significance. Algorithms developed to predict the effect of missense changes on protein structure and function are either unavailable or do not agree on the potential impact of this missense change (SIFT: "Deleterious"; PolyPhen-2: "Probably Damaging"; Align-GVGD: "Class C0"). This variant has not been reported in the literature in individuals affected with CLIC5-related conditions. This variant is present in population databases (rs200204343, gnomAD 0.01%). This sequence change replaces asparagine, which is neutral and polar, with threonine, which is neutral and polar, at codon 363 of the CLIC5 protein (p.Asn363Thr).

NM_016929.5(CLIC5):c.611A>C (p.Asn204Thr)

Gene: CLIC5 (chloride intracellular channel 5; minus strand). Cytogenetic location: 6p21.1.
Variant type: single nucleotide variant.
Coding change: c.611A>C on transcript NM_016929.5 (MANE Select); coding-DNA position 611, A replaced by C.
Protein change: p.Asn204Thr; replaces asparagine 204 with threonine.
Molecular consequence: missense variant. On other transcripts: non-coding transcript variant (2).
Genome position (GRCh38, 1-based): chr6:45,903,233, T>G on the plus strand (A>C on the coding strand, the complement: CLIC5 is on the minus strand). VCF-style: chr6-45903233-T-G. GRCh37 (hg19) VCF-style: chr6-45870970-T-G.
Other names: c.1088A>C (NM_001114086.1); c.1088A>C, p.Asn363Thr (NM_001114086.2, NM_001370650.1); c.494A>C, p.Asn165Thr (NM_001370649.1); short protein forms N165T, N363T, N204T.
Identifiers: ClinVar variation 1348921 (VCV001348921.10), dbSNP rs200204343, ClinGen allele CA3836707.